The following is an entry in ClinVar:

NM_198129.4(LAMA3):c.8747A>T (p.Asn2916Ile)

Gene: LAMA3 (laminin subunit alpha 3; plus strand). Cytogenetic location: 18q11.2.
Variant type: single nucleotide variant.
Coding change: c.8747A>T on transcript NM_198129.4 (MANE Select); coding-DNA position 8747, A replaced by T.
Protein change: p.Asn2916Ile; replaces asparagine 2916 with isoleucine.
Molecular consequence: missense variant.
Genome position (GRCh38, 1-based): chr18:23,933,820, A>T. VCF-style: chr18-23933820-A-T. GRCh37 (hg19) VCF-style: chr18-21513784-A-T.
Other names: c.3920A>T, p.Asn1307Ile (NM_000227.6); c.8579A>T, p.Asn2860Ile (NM_001127717.4); c.3752A>T, p.Asn1251Ile (NM_001127718.4); short protein forms N1307I, N2860I, N2916I, N1251I.
Identifiers: ClinVar variation 2345801 (VCV002345801.5), dbSNP rs147250269, ClinGen allele CA8917004.

ClinVar aggregate classification (germline): Uncertain significance. Review status: criteria provided, multiple submitters, no conflicts (2 of 4 stars). 2 submissions from 2 submitters: Uncertain significance (2). Last evaluated 2025-04-12.

Conditions:
Inborn genetic diseases. Identifiers: MedGen C0950123, MeSH D030342.

Allele frequency attached by ClinVar (database versions not stated): TOPMed 0.00007; gnomAD exomes 0.00010; gnomAD 0.00013; ESP Exome Variant Server 0.00015; ExAC 0.00018.
gnomAD v4.1: 159 of 1,613,876 alleles (0.0099%); highest among the groups gnomAD compares: Middle Eastern, 0.016%; no homozygotes.

Submissions (3):

Ambry Genetics
Classification: Uncertain significance for Inborn genetic diseases. Last evaluated: 2025-04-12. Review status: criteria provided, single submitter. Criteria: Ambry Variant Classification Scheme 2023. Collection method: clinical testing. Allele origin: germline.

Labcorp Genetics (formerly Invitae), Labcorp
Classification: Uncertain significance. Last evaluated: 2024-07-12. Review status: criteria provided, single submitter. Criteria: Invitae Variant Classification Sherloc (09022015). Collection method: clinical testing. Allele origin: germline.
Comment: This sequence change replaces asparagine, which is neutral and polar, with isoleucine, which is neutral and non-polar, at codon 1307 of the LAMA3 protein (p.Asn1307Ile). This variant is present in population databases (rs147250269, gnomAD 0.05%). This variant has not been reported in the literature in individuals affected with LAMA3-related conditions. ClinVar contains an entry for this variant (Variation ID: 2345801). An algorithm developed to predict the effect of missense changes on protein structure and function (PolyPhen-2) suggests that this variant¬†is likely to be tolerated. In summary, the available evidence is currently insufficient to determine the role of this variant in disease. Therefore, it has been classified as a Variant of Uncertain Significance.

Dr. Peter K. Rogan Lab, Western University
No classification provided (evidence only). Condition: Gastric cancer. Review status: no classification provided. Collection method: in vitro. Allele origin: not applicable. Functional consequence: retained intron. Not counted in ClinVar's aggregate classification.